The following is an entry in ClinVar:

NM_004655.4(AXIN2):c.596A>G (p.Tyr199Cys)

Gene: AXIN2 (axin 2; minus strand). Cytogenetic location: 17q24.1.
Variant type: single nucleotide variant.
Coding change: c.596A>G on transcript NM_004655.4 (MANE Select); coding-DNA position 596, A replaced by G.
Protein change: p.Tyr199Cys; replaces tyrosine 199 with cysteine.
Molecular consequence: missense variant.
Genome position (GRCh38, 1-based): chr17:65,558,025, T>C on the plus strand (A>G on the coding strand, the complement: AXIN2 is on the minus strand). VCF-style: chr17-65558025-T-C. GRCh37 (hg19) VCF-style: chr17-63554143-T-C.
Other names: c.596A>G (LRG_296t1); c.596A>G, p.Tyr199Cys (NM_001363813.1); short protein forms Y199C.
Identifiers: ClinVar variation 570100 (VCV000570100.8), dbSNP rs1567768726, ClinGen allele CA400680737.
Genomic context (GRCh38, chr17:65,558,025, plus strand): 5'-TTTAGGCTCCCGAGTCCCCCATTACTCATGTAAGCTGTGTTTTCTCCCCCACTCCTCACA[T>C]ATTCGAGGTATATATCAGAAGTCAAAAACATCTGGTAGGCATTTTCCTCCATCACCGACT-3'
Protein context (NP_004646.3, residues 189-209): MFLTSDIYLE[Tyr199Cys]VRSGGENTAY

ClinVar aggregate classification (germline): Uncertain significance (1 of 4 stars; one submission).

Conditions:
Oligodontia-cancer predisposition syndrome. Also called: TOOTH AGENESIS-COLORECTAL CANCER SYNDROME. Identifiers: Orphanet 300576, MedGen C1837750, MONDO:0012075, OMIM 608615. Disease mechanism: loss of function.

Allele frequency attached by ClinVar (database versions not stated): gnomAD exomes below 0.00001.
gnomAD v4.1: 2 of 1,614,122 alleles (0.00012%); highest among the groups gnomAD compares: Non-Finnish European, 0.00017%; no homozygotes.

Submission:

Labcorp Genetics (formerly Invitae), Labcorp
Classification: Uncertain significance for Oligodontia-cancer predisposition syndrome. Last evaluated: 2023-02-08. Review status: criteria provided, single submitter. Criteria: Invitae Variant Classification Sherloc (09022015). Collection method: clinical testing. Allele origin: germline.
Comment: In summary, the available evidence is currently insufficient to determine the role of this variant in disease. Therefore, it has been classified as a Variant of Uncertain Significance. Algorithms developed to predict the effect of missense changes on protein structure and function (SIFT, PolyPhen-2, Align-GVGD) all suggest that this variant is likely to be disruptive. ClinVar contains an entry for this variant (Variation ID: 570100). This variant has not been reported in the literature in individuals affected with AXIN2-related conditions. This variant is not present in population databases (gnomAD no frequency). This sequence change replaces tyrosine, which is neutral and polar, with cysteine, which is neutral and slightly polar, at codon 199 of the AXIN2 protein (p.Tyr199Cys).